The following is an entry in ClinVar:

ClinVar aggregate classification (germline): Pathogenic. Review status: criteria provided, multiple submitters, no conflicts (2 of 4 stars). 2 submissions from 2 submitters: Pathogenic (2). Last evaluated 2026-06-02.

Conditions:
Bloom syndrome (BLM). Also called: Bloom-Torre-Machacek syndrome. Identifiers: Orphanet 125, MedGen C0005859, MONDO:0008876, OMIM 210900.

Submissions (2):

Myriad Genetics, Inc.
Classification: Pathogenic for Bloom syndrome. Last evaluated: 2026-06-02. Review status: criteria provided, single submitter. Criteria: Myriad Autosomal Dominant, Autosomal Recessive and X-Linked Classification Criteria (2023). Collection method: clinical testing. Allele origin: unknown.
Comment: This variant is considered pathogenic. This variant creates a termination codon and is predicted to result in premature protein truncation.

Labcorp Genetics (formerly Invitae), Labcorp
Classification: Pathogenic for Bloom syndrome. Last evaluated: 2022-02-03. Review status: criteria provided, single submitter. Criteria: Invitae Variant Classification Sherloc (09022015). Collection method: clinical testing. Allele origin: germline.
Comment: For these reasons, this variant has been classified as Pathogenic. This variant has not been reported in the literature in individuals affected with BLM-related conditions. This variant is not present in population databases (gnomAD no frequency). This sequence change creates a premature translational stop signal (p.Tyr736*) in the BLM gene. It is expected to result in an absent or disrupted protein product. Loss-of-function variants in BLM are known to be pathogenic (PMID: 17407155).

Literature cited by the submitters: PubMed 17407155 (cited by Labcorp Genetics (formerly Invitae), Labcorp).

NM_000057.4(BLM):c.2208_2213delinsGATATGT (p.Tyr736_Thr738delinsTer)

Gene: BLM (BLM RecQ like helicase; plus strand). Cytogenetic location: 15q26.1.
Variant type: Indel.
Coding change: c.2208_2213delinsGATATGT on transcript NM_000057.4 (MANE Select); coding-DNA positions 2208 to 2213, TCTGAC replaced by GATATGT.
Protein change: p.Tyr736_Thr738delinsTer.
Molecular consequence: nonsense.
Genome position (GRCh38, 1-based): chr15:90,766,924-90,766,929, TCTGAC replaced by GATATGT. VCF-style: chr15-90766924-TCTGAC-GATATGT. GRCh37 (hg19) VCF-style: chr15-91310154-TCTGAC-GATATGT.
Other names: c.2208_2213delinsGATATGT, p.Tyr736_Thr738delinsTer (NM_001287246.2, NM_001287247.2); c.1083_1088delinsGATATGT, p.Tyr361_Thr363delinsTer (NM_001287248.2).
Identifiers: ClinVar variation 644219 (VCV000644219.7), dbSNP rs1596235791, ClinGen allele CA915946154.